The following is an entry in ClinVar:

ClinVar aggregate classification (germline): Pathogenic (1 of 4 stars; one submission).

Conditions:
Familial cancer of breast. Also called: hereditary breast carcinoma; BREAST CANCER, FAMILIAL; Hereditary breast cancer. Identifiers: Orphanet 227535, MedGen C0346153, MONDO:0016419, OMIM 114480. Disease mechanism: loss of function.

Submission:

Myriad Genetics, Inc.
Classification: Pathogenic for Familial cancer of breast. Last evaluated: 2024-01-30. Review status: criteria provided, single submitter. Criteria: Myriad Autosomal Dominant, Autosomal Recessive and X-Linked Classification Criteria (2023). Collection method: clinical testing. Allele origin: unknown.
Comment: This variant is considered pathogenic. This variant creates a frameshift predicted to result in premature protein truncation.

NM_000051.4(ATM):c.7013dup (p.Arg2339fs)

Genes: ATM (ATM serine/threonine kinase; plus strand), C11orf65 (chromosome 11 open reading frame 65; minus strand). Cytogenetic location: 11q22.3.
Variant type: Duplication.
Coding change: c.7013dup on transcript NM_000051.4 (MANE Select); coding-DNA position 7013, one base duplicated (T; older notation c.7013dupT).
Protein change: p.Arg2339fs; shifts the reading frame from arginine 2339.
Molecular consequence: frameshift variant. On other transcripts: intron variant (2).
Genome position (GRCh38, 1-based): chr11:108,327,682, T duplicated. VCF-style (leftmost placement, unchanged base first): chr11-108327681-C-CT. GRCh37 (hg19) VCF-style: chr11-108198408-C-CT.
Other names: c.7013dup, p.Arg2339fs (NM_001351834.2); c.641-18611dup (NM_001330368.2); c.*38+7538dup (NM_001351110.2); short protein forms R2339fs.
Identifiers: ClinVar variation 3148352 (VCV003148352.1), dbSNP rs2547232348, ClinGen allele CA2825001941.